The following is an entry in ClinVar:

ClinVar aggregate classification (germline): Uncertain significance. Review status: criteria provided, multiple submitters, no conflicts (2 of 4 stars). 2 submissions from 2 submitters: Uncertain significance (2). Last evaluated 2024-11-20.

Conditions:
Imerslund-Grasbeck syndrome. Also called: Megaloblastic anemia due to inborn errors of metabolism; ENTEROCYTE COBALAMIN MALABSORPTION; ENTEROCYTE INTRINSIC FACTOR RECEPTOR, DEFECT OF; Imerslund-Gräsbeck syndrome; PERNICIOUS ANEMIA, JUVENILE, DUE TO SELECTIVE INTESTINAL MALABSORPTION OF VITAMIN B12, WITH PROTEINURIA. Identifiers: Orphanet 35858, MedGen C4551825, MONDO:0009853.

Allele frequency attached by ClinVar (database versions not stated): gnomAD 0.00004 and 0.00006; gnomAD exomes 0.00009 and 0.00020; TOPMed 0.00010; ExAC 0.00021; 1000 Genomes Project 30x 0.00031; 1000 Genomes Project 0.00040.
gnomAD v4.1: 141 of 1,614,080 alleles (0.0087%); highest among the groups gnomAD compares: Admixed American, 0.078%; no homozygotes.

Submissions (2):

Blueprint Genetics
Classification: Uncertain significance. Last evaluated: 2024-11-20. Review status: criteria provided, single submitter. Criteria: ACMG Guidelines, 2015. Collection method: clinical testing. Allele origin: germline.

Labcorp Genetics (formerly Invitae), Labcorp
Classification: Uncertain significance for Imerslund-Grasbeck syndrome. Last evaluated: 2022-06-08. Review status: criteria provided, single submitter. Criteria: Invitae Variant Classification Sherloc (09022015). Collection method: clinical testing. Allele origin: germline.
Comment: This sequence change replaces proline, which is neutral and non-polar, with serine, which is neutral and polar, at codon 3428 of the CUBN protein (p.Pro3428Ser). This variant is present in population databases (rs117570588, gnomAD 0.09%). This variant has not been reported in the literature in individuals affected with CUBN-related conditions. Algorithms developed to predict the effect of missense changes on protein structure and function are either unavailable or do not agree on the potential impact of this missense change (SIFT: "Tolerated"; PolyPhen-2: "Probably Damaging"; Align-GVGD: "Class C0"). In summary, the available evidence is currently insufficient to determine the role of this variant in disease. Therefore, it has been classified as a Variant of Uncertain Significance.

NM_001081.4(CUBN):c.10282C>T (p.Pro3428Ser)

Gene: CUBN (cubilin; minus strand). Cytogenetic location: 10p13.
Variant type: single nucleotide variant.
Coding change: c.10282C>T on transcript NM_001081.4 (MANE Select); coding-DNA position 10282, C replaced by T.
Protein change: p.Pro3428Ser; replaces proline 3428 with serine.
Molecular consequence: missense variant.
Genome position (GRCh38, 1-based): chr10:16,835,094, G>A on the plus strand (C>T on the coding strand, the complement: CUBN is on the minus strand). VCF-style: chr10-16835094-G-A. GRCh37 (hg19) VCF-style: chr10-16877093-G-A.
Other names: short protein forms P3428S.
Identifiers: ClinVar variation 1345950 (VCV001345950.6), dbSNP rs117570588, ClinGen allele CA5422417.
Genomic context (GRCh38, chr10:16,835,094, plus strand): 5'-ATTCAACTGAGTTCTCGATGCCAAGTGAATGAAAAAAGAGGGAAATGGTGTGGTTCTGGG[G>A]GGCTGTGAGAGTAACGGTGCAATCCTTGTCATTGTCGTAGTTATCTGGCCATCCAGGGCT-3'
Protein context (NP_001072.2, residues 3418-3438): DKDCTVTLTA[Pro3428Ser]QNHTISLFFH